The following is an entry in ClinVar:

ClinVar aggregate classification (germline): Benign. Review status: criteria provided, multiple submitters, no conflicts (2 of 4 stars). 10 submissions from 10 submitters: Benign (9). 1 of the submissions does not count toward it. Last evaluated 2026-04-14.

Conditions:
Familial intrahepatic cholestasis. Identifiers: Orphanet 284385, MedGen CN296401, MONDO:0017290.
Progressive familial intrahepatic cholestasis type 2. Identifiers: Orphanet 79304, MedGen C3489789, MONDO:0011156, OMIM 601847.

Allele frequency attached by ClinVar (database versions not stated): ESP Exome Variant Server 0.11215; TOPMed 0.11817; 1000 Genomes Project 0.12181; 1000 Genomes Project 30x 0.12617.
gnomAD v4.1: 55,977 of 1,613,030 alleles (3.5%); highest among the groups gnomAD compares: African/African-American, 32%; 4,449 homozygotes.

Submissions (10):

Genomenon, Inc
Classification: Benign for Familial intrahepatic cholestasis. Last evaluated: 2026-04-14. Review status: criteria provided, single submitter. Criteria: Genomenon Sequence Variant Interpretation Standards - Updated. Collection method: curation. Allele origin: germline. Affected: no.
Comment: ABCB11 c.957A>G is a synonymous variant that retains Glycine at residue 319. This variant is present at high allele frequency in population databases. In conclusion, we classify ABCB11 p.Gly319= (c.957A>G) as a benign variant.

Women's Health and Genetics/Laboratory Corporation of America, LabCorp
Classification: Benign. Last evaluated: 2026-02-09. Review status: criteria provided, single submitter. Criteria: LabCorp Variant Classification Summary - May 2015. Collection method: clinical testing. Allele origin: germline.

Labcorp Genetics (formerly Invitae), Labcorp
Classification: Benign. Last evaluated: 2026-02-04. Review status: criteria provided, single submitter. Criteria: Invitae Variant Classification Sherloc (09022015). Collection method: clinical testing. Allele origin: germline.

Mayo Clinic Laboratories, Mayo Clinic
Classification: Benign. Last evaluated: 2024-10-23. Review status: criteria provided, single submitter. Criteria: ACMG Guidelines, 2015. Collection method: clinical testing. Allele origin: germline. Observed: 92 variant alleles.
Comment: BA1

Illumina Laboratory Services, Illumina
Classification: Benign for Progressive familial intrahepatic cholestasis type 2. Last evaluated: 2018-03-06. Review status: criteria provided, single submitter. Criteria: ICSL Variant Classification Criteria 13 December 2019. Collection method: clinical testing. Allele origin: germline.
Comment: This variant was observed in the ICSL laboratory as part of a predisposition screen in an ostensibly healthy population. It had not been previously curated by ICSL or reported in the Human Gene Mutation Database (HGMD: prior to June 1st, 2018), and was therefore a candidate for classification through an automated scoring system. Utilizing variant allele frequency, disease prevalence and penetrance estimates, and inheritance mode, an automated score was calculated to assess if this variant is too frequent to cause the disease. Based on the score and internal cut-off values, a variant classified as benign is not then subjected to further curation. The score for this variant resulted in a classification of benign for this disease.

GeneDx
Classification: Benign. Last evaluated: 2016-01-27. Review status: criteria provided, single submitter. Criteria: GeneDx Variant Classification (06012015). Collection method: clinical testing. Allele origin: germline. Affected: yes.
Comment: This variant is considered likely benign or benign based on one or more of the following criteria: it is a conservative change, it occurs at a poorly conserved position in the protein, it is predicted to be benign by multiple in silico algorithms, and/or has population frequency not consistent with disease.

Eurofins Ntd Llc (ga)
Classification: Benign. Last evaluated: 2014-12-12. Review status: criteria provided, single submitter. Criteria: EGL Classification Definitions 2015. Collection method: clinical testing. Allele origin: germline. Observed: 1 variant allele, 1 heterozygote.

Breakthrough Genomics
Classification: Benign. Review status: criteria provided, single submitter. Criteria: ACMG Guidelines, 2015. Collection method: not provided. Allele origin: germline. Inheritance: Autosomal recessive inheritance. Affected: yes.

PreventionGenetics, part of Exact Sciences
Classification: Benign. Review status: criteria provided, single submitter. Criteria: ACMG Guidelines, 2015. Collection method: clinical testing. Allele origin: germline.

Natera, Inc.
Classification: Benign for Progressive familial intrahepatic cholestasis type 2. Last evaluated: 2020-09-16. Review status: no assertion criteria provided. Collection method: clinical testing. Allele origin: germline. Not counted in ClinVar's aggregate classification.

NM_003742.4(ABCB11):c.957A>G (p.Gly319=)

Gene: ABCB11 (ATP binding cassette subfamily B member 11; minus strand). Cytogenetic location: 2q31.1.
Variant type: single nucleotide variant.
Coding change: c.957A>G on transcript NM_003742.4 (MANE Select); coding-DNA position 957, A replaced by G.
Protein change: p.Gly319=; no amino-acid change (glycine 319 retained).
Molecular consequence: synonymous variant.
Genome position (GRCh38, 1-based): chr2:168,986,236, T>C on the plus strand (A>G on the coding strand, the complement: ABCB11 is on the minus strand). VCF-style: chr2-168986236-T-C. GRCh37 (hg19) VCF-style: chr2-169842746-T-C.
Other names: p.Gly319=; c.957A>G, p.Gly319= (LRG_1199t1).
Identifiers: ClinVar variation 193662 (VCV000193662.22), dbSNP rs7563233, ClinGen allele CA200714.
Genomic context (GRCh38, chr2:168,986,236, plus strand): 5'-CAGTGCATAACACAAAAAGATGAGACACCACACGAATCCAGTAAAGAATCCCATCACTAT[T>C]CCTTTTCTAATTCCCCAACGCTGGGCGAACACAAGATTTTTCTCATACCTGTGAAGACAA-3'
Protein context (NP_003733.2, residues 309-329): VFAQRWGIRK[Gly319=]IVMGFFTGFV